The following is an entry in ClinVar:

NM_001082486.2(ACD):c.1078G>A (p.Ala360Thr)

Gene: ACD (ACD shelterin complex subunit and telomerase recruitment factor; minus strand). Cytogenetic location: 16q22.1.
Variant type: single nucleotide variant.
Coding change: c.1078G>A on transcript NM_001082486.2 (MANE Select); coding-DNA position 1078, G replaced by A.
Protein change: p.Ala360Thr; replaces alanine 360 with threonine.
Molecular consequence: missense variant.
Genome position (GRCh38, 1-based): chr16:67,658,114, C>T on the plus strand (G>A on the coding strand, the complement: ACD is on the minus strand). VCF-style: chr16-67658114-C-T. GRCh37 (hg19) VCF-style: chr16-67692017-C-T.
Other names: c.991G>A, p.Ala331Thr (NM_001410884.1); c.1069G>A, p.Ala357Thr (NM_022914.3); short protein forms A331T, A357T, A360T.
Identifiers: ClinVar variation 3232642 (VCV003232642.4), dbSNP rs1221213032, ClinGen allele CA396352200.

ClinVar aggregate classification (germline): Uncertain significance. Review status: criteria provided, multiple submitters, no conflicts (2 of 4 stars). 2 submissions from 2 submitters: Uncertain significance (2). Last evaluated 2025-12-29.

Conditions:
Inborn genetic diseases. Identifiers: MedGen C0950123, MeSH D030342.

Allele frequency attached by ClinVar (database versions not stated): gnomAD exomes below 0.00001; TOPMed below 0.00001; gnomAD 0.00001.

Submissions (2):

Center for Genomic Medicine, Rigshospitalet, Copenhagen University Hospital
Classification: Uncertain significance. Last evaluated: 2025-12-29. Review status: criteria provided, single submitter. Criteria: ACMG Guidelines, 2015. Collection method: clinical testing. Allele origin: germline.

Ambry Genetics
Classification: Uncertain significance for Inborn genetic diseases. Last evaluated: 2023-11-11. Review status: criteria provided, single submitter. Criteria: Ambry Variant Classification Scheme 2023. Collection method: clinical testing. Allele origin: germline.
Comment: The p.A446T variant (also known as c.1336G>A), located in coding exon 10 of the ACD gene, results from a G to A substitution at nucleotide position 1336. The alanine at codon 446 is replaced by threonine, an amino acid with similar properties. This amino acid position is conserved. In addition, this alteration is predicted to be tolerated by in silico analysis. Since supporting evidence is limited at this time, the clinical significance of this alteration remains unclear.